The following is an entry in ClinVar:

NM_004319.3(ASTN1):c.868A>G (p.Ser290Gly)

Gene: ASTN1 (astrotactin 1; minus strand). Cytogenetic location: 1q25.2.
Variant type: single nucleotide variant.
Coding change: c.868A>G on transcript NM_004319.3 (MANE Select); coding-DNA position 868, A replaced by G.
Protein change: p.Ser290Gly; replaces serine 290 with glycine.
Molecular consequence: missense variant.
Genome position (GRCh38, 1-based): chr1:177,030,950, T>C on the plus strand (A>G on the coding strand, the complement: ASTN1 is on the minus strand). VCF-style: chr1-177030950-T-C. GRCh37 (hg19) VCF-style: chr1-177000086-T-C.
Other names: c.868A>G, p.Ser290Gly (NM_001286164.2, NM_001364856.2, NM_207108.3); short protein forms S290G.
Identifiers: ClinVar variation 2370746 (VCV002370746.4), dbSNP rs781283066, ClinGen allele CA1259371.

ClinVar aggregate classification (germline): Uncertain significance. Review status: criteria provided, multiple submitters, no conflicts (2 of 4 stars). 2 submissions from 2 submitters: Uncertain significance (2). Last evaluated 2025-06-11.

Allele frequency attached by ClinVar (database versions not stated): TOPMed 0.00006; gnomAD 0.00004; ExAC 0.00004.
gnomAD v4.1: 41 of 1,611,280 alleles (0.0025%); highest among the groups gnomAD compares: Admixed American, 0.045%; no homozygotes.

Submissions (2):

GeneDx
Classification: Uncertain significance. Last evaluated: 2025-06-11. Review status: criteria provided, single submitter. Criteria: GeneDx Variant Classification Process June 2021. Collection method: clinical testing. Allele origin: germline. Affected: yes.
Comment: In silico analysis suggests that this missense variant does not alter protein structure/function; Has not been previously published as pathogenic or benign to our knowledge

Ambry Genetics
Classification: Uncertain significance. Last evaluated: 2025-02-24. Review status: criteria provided, single submitter. Criteria: Ambry Variant Classification Scheme 2023. Collection method: clinical testing. Allele origin: germline.